The following is an entry in ClinVar:

ClinVar aggregate classification (germline): Uncertain significance (1 of 4 stars; one submission).

Allele frequency attached by ClinVar (database versions not stated): gnomAD exomes below 0.00001.
gnomAD v4.1: 1 of 1,613,632 alleles (0.000062%); highest among the groups gnomAD compares: Non-Finnish European, 0.000085%; no homozygotes.

Submission:

CeGaT Center for Human Genetics Tuebingen
Classification: Uncertain significance. Last evaluated: 2024-03-01. Review status: criteria provided, single submitter. Criteria: CeGaT Center For Human Genetics Tuebingen Variant Classification Criteria Version 2. Collection method: clinical testing. Allele origin: germline. Affected: yes. Observed: 2 variant alleles.
Comment: CIC: PM2

NM_001386298.1(CIC):c.3059C>T (p.Pro1020Leu)

Gene: CIC (capicua transcriptional repressor; plus strand). Cytogenetic location: 19q13.2.
Variant type: single nucleotide variant.
Coding change: c.3059C>T on transcript NM_001386298.1 (MANE Select); coding-DNA position 3059, C replaced by T.
Protein change: p.Pro1020Leu; replaces proline 1020 with leucine.
Molecular consequence: missense variant.
Genome position (GRCh38, 1-based): chr19:42,287,120, C>T. VCF-style: chr19-42287120-C-T. GRCh37 (hg19) VCF-style: chr19-42791272-C-T.
Other names: c.3059C>T, p.Pro1020Leu (NM_001304815.2, NM_001379480.1, NM_001379482.1 and 1 more transcripts); c.332C>T, p.Pro111Leu (NM_001379484.1, NM_001379485.1, NM_015125.5); short protein forms P1020L, P111L.
Identifiers: ClinVar variation 2649977 (VCV002649977.24), dbSNP rs2037710739, ClinGen allele CA406096917.